The following is an entry in ClinVar:

ClinVar aggregate classification (germline): Uncertain significance. Review status: criteria provided, multiple submitters, no conflicts (2 of 4 stars). 2 submissions from 2 submitters: Uncertain significance (2). Last evaluated 2026-02-28.

Conditions:
Neutropenia, severe congenital, 2, autosomal dominant. Identifiers: Orphanet 486, MedGen C2751288, MONDO:0013139, OMIM 613107.

Submissions (2):

Ambry Genetics
Classification: Uncertain significance. Last evaluated: 2026-02-28. Review status: criteria provided, single submitter. Criteria: Ambry Variant Classification Scheme 2023. Collection method: clinical testing. Allele origin: germline.
Comment: The p.L153I variant (also known as c.457C>A), located in coding exon 3 of the GFI1 gene, results from a C to A substitution at nucleotide position 457. The leucine at codon 153 is replaced by isoleucine, an amino acid with highly similar properties. This amino acid position is conserved. In addition, this alteration is predicted to be tolerated by in silico analysis. Based on the available evidence, the clinical significance of this variant remains unclear.

Labcorp Genetics (formerly Invitae), Labcorp
Classification: Uncertain significance for Neutropenia, severe congenital, 2, autosomal dominant. Last evaluated: 2023-02-05. Review status: criteria provided, single submitter. Criteria: Invitae Variant Classification Sherloc (09022015). Collection method: clinical testing. Allele origin: germline.
Comment: In summary, the available evidence is currently insufficient to determine the role of this variant in disease. Therefore, it has been classified as a Variant of Uncertain Significance. Advanced modeling of protein sequence and biophysical properties (such as structural, functional, and spatial information, amino acid conservation, physicochemical variation, residue mobility, and thermodynamic stability) performed at Invitae indicates that this missense variant is not expected to disrupt GFI1 protein function. This variant has not been reported in the literature in individuals affected with GFI1-related conditions. This variant is not present in population databases (gnomAD no frequency). This sequence change replaces leucine, which is neutral and non-polar, with isoleucine, which is neutral and non-polar, at codon 153 of the GFI1 protein (p.Leu153Ile).

NM_005263.5(GFI1):c.457C>A (p.Leu153Ile)

Gene: GFI1 (growth factor independent 1 transcriptional repressor; minus strand). Cytogenetic location: 1p22.1.
Variant type: single nucleotide variant.
Coding change: c.457C>A on transcript NM_005263.5 (MANE Select); coding-DNA position 457, C replaced by A.
Protein change: p.Leu153Ile; replaces leucine 153 with isoleucine.
Molecular consequence: missense variant.
Genome position (GRCh38, 1-based): chr1:92,480,930, G>T on the plus strand (C>A on the coding strand, the complement: GFI1 is on the minus strand). VCF-style: chr1-92480930-G-T. GRCh37 (hg19) VCF-style: chr1-92946487-G-T.
Other names: c.457C>A, p.Leu153Ile (NM_001127215.3, NM_001127216.3); short protein forms L153I.
Identifiers: ClinVar variation 2918019 (VCV002918019.4), dbSNP rs2524727697, ClinGen allele CA341149801.